The following is an entry in ClinVar:

NC_012920.1(MT-TH):m.12175T>C

Gene: MT-TH (mitochondrially encoded tRNA histidine; plus strand).
Variant type: single nucleotide variant.
Genome position: chrM-12175-T-C.
Identifiers: ClinVar variation 376964 (VCV000376964.4), dbSNP rs1057520099, ClinGen allele CA16603222.

ClinVar aggregate classification (germline): Conflicting classifications of pathogenicity. Review status: criteria provided, conflicting classifications (1 of 4 stars). 2 submissions from 2 submitters: Uncertain significance (1); Benign (1). Last evaluated 2019-07-12.

Conditions:
MELAS syndrome (MELAS). Also called: Juvenile myopathy, encephalopathy, lactic acidosis, stroke. Identifiers: Orphanet 550, MedGen C0162671, MONDO:0010789, OMIM 540000.

Submissions (2):

Wong Mito Lab, Molecular and Human Genetics, Baylor College of Medicine
Classification: Benign for MELAS syndrome. Last evaluated: 2019-07-12. Review status: criteria provided, single submitter. Criteria: Modified ACMG Guidelines (Unpublished). Collection method: clinical testing. Allele origin: germline.
Comment: The NC_012920.1:m.12175T>C variant in MT-TH gene is interpreted to be a Benign variant based on the modified ACMG guidelines (unpublished). This variant meets the following evidence codes reported in the guidelines: BS1, BS2, BP4

Center for Pediatric Genomic Medicine, Children's Mercy Hospital and Clinics
Classification: Uncertain significance. Last evaluated: 2017-01-02. Review status: criteria provided, single submitter. Criteria: ACMG Guidelines, 2015. Collection method: clinical testing. Allele origin: germline.
ClinVar note: Converted during submission from Uncertain Significance to Uncertain significance.

Literature cited by the submitters: PubMed 31965079 (cited by Wong Mito Lab, Molecular and Human Genetics, Baylor College of Medicine).